The following is an entry in ClinVar:

ClinVar aggregate classification (germline): Uncertain significance (1 of 4 stars; one submission).

Conditions:
Dilated cardiomyopathy 1HH (CMD1HH). Identifiers: Orphanet 154, MedGen C3151293, MONDO:0013479, OMIM 613881.
Myofibrillar myopathy 6. Identifiers: Orphanet 199340, MedGen C2751831, MONDO:0013061, OMIM 612954.

Submission:

Labcorp Genetics (formerly Invitae), Labcorp
Classification: Uncertain significance for Dilated cardiomyopathy 1HH; Myofibrillar myopathy 6. Last evaluated: 2022-06-20. Review status: criteria provided, single submitter. Criteria: Invitae Variant Classification Sherloc (09022015). Collection method: clinical testing. Allele origin: germline.
Comment: In summary, the available evidence is currently insufficient to determine the role of this variant in disease. Therefore, it has been classified as a Variant of Uncertain Significance. Algorithms developed to predict the effect of missense changes on protein structure and function are either unavailable or do not agree on the potential impact of this missense change (SIFT: "Tolerated"; PolyPhen-2: "Not Available"; Align-GVGD: "Class C0"). This variant has not been reported in the literature in individuals affected with BAG3-related conditions. This variant is not present in population databases (gnomAD no frequency). This sequence change replaces aspartic acid, which is acidic and polar, with alanine, which is neutral and non-polar, at codon 533 of the BAG3 protein (p.Asp533Ala).

NM_004281.4(BAG3):c.1598A>C (p.Asp533Ala)

Gene: BAG3 (BAG cochaperone 3; plus strand). Cytogenetic location: 10q26.11.
Variant type: single nucleotide variant.
Coding change: c.1598A>C on transcript NM_004281.4 (MANE Select); coding-DNA position 1598, A replaced by C.
Protein change: p.Asp533Ala; replaces aspartic acid 533 with alanine.
Molecular consequence: missense variant.
Genome position (GRCh38, 1-based): chr10:119,677,152, A>C. VCF-style: chr10-119677152-A-C. GRCh37 (hg19) VCF-style: chr10-121436664-A-C.
Other names: short protein forms D533A.
Identifiers: ClinVar variation 1485478 (VCV001485478.6), dbSNP rs2134069483, ClinGen allele CA378297664.